The following is an entry in ClinVar:

NM_001394062.1(MACF1):c.12670C>T (p.Leu4224Phe)

Gene: MACF1 (microtubule actin crosslinking factor 1; plus strand). Cytogenetic location: 1p34.3.
Variant type: single nucleotide variant.
Coding change: c.12670C>T on transcript NM_001394062.1 (MANE Select); coding-DNA position 12670, C replaced by T.
Protein change: p.Leu4224Phe; replaces leucine 4224 with phenylalanine.
Molecular consequence: missense variant.
Genome position (GRCh38, 1-based): chr1:39,361,576, C>T. VCF-style: chr1-39361576-C-T. GRCh37 (hg19) VCF-style: chr1-39827248-C-T.
Other names: c.6484C>T, p.Leu2162Phe (NM_012090.5); short protein forms L2162F, L4224F.
Identifiers: ClinVar variation 4070769 (VCV004070769.1).
Genomic context (GRCh38, chr1:39,361,576, plus strand): 5'-CAGCAAGAAAAGGAGAGCTCCCTAAAGAAGCTTCTACCCCAGGCAGAGATGTTTGAACAC[C>T]TCTCTGGTAAGCTGCAGCAGTTCATGGAAAACAAAAGTCGGATGCTGGCCTCTGGAAATC-3'
Protein context (NP_001380991.1, residues 4214-4234): LLPQAEMFEH[Leu4224Phe]SGKLQQFMEN

ClinVar aggregate classification (germline): Uncertain significance (1 of 4 stars; one submission).

gnomAD v4.1: 1 of 1,614,146 alleles (0.000062%); highest among the groups gnomAD compares: Non-Finnish European, 0.000085%; no homozygotes.

Submission:

GeneDx
Classification: Uncertain significance. Last evaluated: 2025-01-16. Review status: criteria provided, single submitter. Criteria: GeneDx Variant Classification Process June 2021. Collection method: clinical testing. Allele origin: germline. Affected: yes.
Comment: Not observed at significant frequency in large population cohorts (gnomAD); In silico analysis supports that this missense variant has a deleterious effect on protein structure/function; Has not been previously published as pathogenic or benign to our knowledge